The following is an entry in ClinVar:

ClinVar aggregate classification (germline): Uncertain significance. Review status: criteria provided, multiple submitters, no conflicts (2 of 4 stars). 2 submissions from 2 submitters: Uncertain significance (2). Last evaluated 2026-05-21.

Conditions:
Ataxia-telangiectasia syndrome (AT). Also called: Ataxia-telangiectasia, complementation group D; AT, COMPLEMENTATION GROUP C; ATAXIA-TELANGIECTASIA, COMPLEMENTATION GROUP A; ATAXIA-TELANGIECTASIA, FRESNO VARIANT; Ataxia-telangiectasia; LOUIS-BAR SYNDROME. Identifiers: Orphanet 100, MedGen C0004135, MONDO:0008840, OMIM 208900.
Hereditary cancer-predisposing syndrome. Also called: Tumor predisposition; Hereditary neoplastic syndrome; Neoplastic Syndromes, Hereditary; Hereditary Cancer Syndrome. Identifiers: Orphanet 140162, MedGen C0027672, MeSH D009386, MONDO:0015356.

Allele frequency attached by ClinVar (database versions not stated): gnomAD exomes below 0.00001.
gnomAD v4.1: 1 of 1,613,000 alleles (0.000062%); highest among the groups gnomAD compares: Non-Finnish European, 0.000085%; no homozygotes.

Submissions (2):

Ambry Genetics
Classification: Uncertain significance for Hereditary cancer-predisposing syndrome. Last evaluated: 2026-05-21. Review status: criteria provided, single submitter. Criteria: Ambry Variant Classification Scheme 2023. Collection method: clinical testing. Allele origin: germline.
Comment: The p.Q2522E variant (also known as c.7564C>G), located in coding exon 50 of the ATM gene, results from a C to G substitution at nucleotide position 7564. The glutamine at codon 2522 is replaced by glutamic acid, an amino acid with highly similar properties. In an assay testing ATM function, this variant showed a functionally abnormal result (Lee KS et al. Cell, 2025 Sep;188:5081-5099.e27). This amino acid position is highly conserved in available vertebrate species. In addition, this alteration is predicted to be deleterious by in silico analysis. Based on the available evidence, the clinical significance of this variant remains unclear.

Labcorp Genetics (formerly Invitae), Labcorp
Classification: Uncertain significance for Ataxia-telangiectasia syndrome. Last evaluated: 2024-11-04. Review status: criteria provided, single submitter. Criteria: Invitae Variant Classification Sherloc (09022015). Collection method: clinical testing. Allele origin: germline.
Comment: This sequence change replaces glutamine, which is neutral and polar, with glutamic acid, which is acidic and polar, at codon 2522 of the ATM protein (p.Gln2522Glu). This variant is not present in population databases (gnomAD no frequency). This variant has not been reported in the literature in individuals affected with ATM-related conditions. ClinVar contains an entry for this variant (Variation ID: 647720). Invitae Evidence Modeling of protein sequence and biophysical properties (such as structural, functional, and spatial information, amino acid conservation, physicochemical variation, residue mobility, and thermodynamic stability) has been performed for this missense variant. However, the output from this modeling did not meet the statistical confidence thresholds required to predict the impact of this variant on ATM protein function. In summary, the available evidence is currently insufficient to determine the role of this variant in disease. Therefore, it has been classified as a Variant of Uncertain Significance.

Literature cited by the submitters: PubMed 40580951 (cited by Ambry Genetics).

NM_000051.4(ATM):c.7564C>G (p.Gln2522Glu)

Genes: ATM (ATM serine/threonine kinase; plus strand), C11orf65 (chromosome 11 open reading frame 65; minus strand). Cytogenetic location: 11q22.3.
Variant type: single nucleotide variant.
Coding change: c.7564C>G on transcript NM_000051.4 (MANE Select); coding-DNA position 7564, C replaced by G.
Protein change: p.Gln2522Glu; replaces glutamine 2522 with glutamic acid.
Molecular consequence: missense variant. On other transcripts: non-coding transcript variant (1), intron variant (2).
Genome position (GRCh38, 1-based): chr11:108,331,492, C>G. VCF-style: chr11-108331492-C-G. GRCh37 (hg19) VCF-style: chr11-108202219-C-G.
Other names: c.7564C>G, p.Gln2522Glu (NM_001351834.2); c.641-22421G>C (NM_001330368.2); c.*38+3728G>C (NM_001351110.2); short protein forms Q2522E.
Identifiers: ClinVar variation 647720 (VCV000647720.12), dbSNP rs1591167598, ClinGen allele CA382560737.